The following is an entry in ClinVar:

NM_152564.5(VPS13B):c.8218C>T (p.Leu2740Phe)

Gene: VPS13B (vacuolar protein sorting 13 homolog B; plus strand). Cytogenetic location: 8q22.2.
Variant type: single nucleotide variant.
Coding change: c.8218C>T on transcript NM_152564.5 (MANE Select); coding-DNA position 8218, C replaced by T.
Protein change: p.Leu2740Phe; replaces leucine 2740 with phenylalanine.
Molecular consequence: missense variant.
Genome position (GRCh38, 1-based): chr8:99,817,660, C>T. VCF-style: chr8-99817660-C-T. GRCh37 (hg19) VCF-style: chr8-100829888-C-T.
Other names: c.8218C>T (NM_152564.4); c.8293C>T, p.Leu2765Phe (NM_017890.5); short protein forms L2740F, L2765F.
Identifiers: ClinVar variation 954989 (VCV000954989.12), dbSNP rs772183822, ClinGen allele CA4824409.
Genomic context (GRCh38, chr8:99,817,660, plus strand): 5'-GTCGTTCAGCATTACATTGGTCAAGATGGACAAGCTGTAGTTCGGGAACATTTTGACTGC[C>T]TCACAGCCAAACAGAAATTGCCTTCGTACATACTAGAAAACAATGAACTGACGGAGCTGT-3'
Protein context (NP_689777.3, residues 2730-2750): QAVVREHFDC[Leu2740Phe]TAKQKLPSYI

ClinVar aggregate classification (germline): Uncertain significance. Review status: criteria provided, multiple submitters, no conflicts (2 of 4 stars). 4 submissions from 4 submitters: Uncertain significance (2). 2 of the submissions do not count toward it. Last evaluated 2025-10-13.

Conditions:
VPS13B-related disorder. Also called: VPS13B-related condition.
Cohen syndrome (COH1). Also called: PEPPER SYNDROME; Cutis verticis gyrata, retinitis pigmentosa, and sensorineural deafness. Identifiers: Orphanet 193, MedGen C0265223, MONDO:0008999, OMIM 216550.

Allele frequency attached by ClinVar (database versions not stated): ExAC 0.00001; gnomAD 0.00001; gnomAD exomes 0.00001.
gnomAD v4.1: 4 of 1,613,922 alleles (0.00025%); highest among the groups gnomAD compares: Admixed American, 0.0067%; no homozygotes.

Submissions (4):

Labcorp Genetics (formerly Invitae), Labcorp
Classification: Uncertain significance for Cohen syndrome. Last evaluated: 2025-10-13. Review status: criteria provided, single submitter. Criteria: Invitae Variant Classification Sherloc (09022015). Collection method: clinical testing. Allele origin: germline.
Comment: This sequence change replaces leucine, which is neutral and non-polar, with phenylalanine, which is neutral and non-polar, at codon 2765 of the VPS13B protein (p.Leu2765Phe). This variant is present in population databases (rs772183822, gnomAD 0.006%). This variant has not been reported in the literature in individuals affected with VPS13B-related conditions. ClinVar contains an entry for this variant (Variation ID: 954989). Invitae Evidence Modeling of protein sequence and biophysical properties (such as structural, functional, and spatial information, amino acid conservation, physicochemical variation, residue mobility, and thermodynamic stability) indicates that this missense variant is expected to disrupt VPS13B protein function with a positive predictive value of 80%. In summary, the available evidence is currently insufficient to determine the role of this variant in disease. Therefore, it has been classified as a Variant of Uncertain Significance.

Blueprint Genetics
Classification: Uncertain significance. Last evaluated: 2019-10-22. Review status: criteria provided, single submitter. Criteria: ACMG Guidelines, 2015. Collection method: clinical testing. Allele origin: germline.

PreventionGenetics, part of Exact Sciences
Classification: Uncertain significance for VPS13B-related condition. Last evaluated: 2024-05-01. Review status: no assertion criteria provided. Collection method: clinical testing. Allele origin: germline. Not counted in ClinVar's aggregate classification.
Comment: The VPS13B c.8218C>T variant is predicted to result in the amino acid substitution p.Leu2740Phe. To our knowledge, this variant has not been reported in the literature. This variant is reported in 0.0058% of alleles in individuals of Latino descent in gnomAD. At this time, the clinical significance of this variant is uncertain due to the absence of conclusive functional and genetic evidence.

Natera, Inc.
Classification: Uncertain significance for Cohen syndrome. Last evaluated: 2020-04-16. Review status: no assertion criteria provided. Collection method: clinical testing. Allele origin: germline. Not counted in ClinVar's aggregate classification.